The following is an entry in ClinVar:

ClinVar aggregate classification (germline): Conflicting classifications of pathogenicity. Review status: criteria provided, conflicting classifications (1 of 4 stars). 3 submissions from 3 submitters: Uncertain significance (2); Likely benign (1). Last evaluated 2025-10-16.

Conditions:
CHARGE syndrome (CHARGE). Also called: Coloboma, heart anomaly, choanal atresia, retardation, genital and ear anomalies; CHARGE association; Hall-Hittner syndrome; Hittner Hirsch Kreh syndrome; CHARGE ASSOCIATION--COLOBOMA, HEART ANOMALY, CHOANAL ATRESIA, RETARDATION, GENITAL AND EAR ANOMALIES. Identifiers: Orphanet 138, MedGen C0265354, MONDO:0008965.
Hypogonadotropic hypogonadism 5 with or without anosmia (KAL5). Also called: HYPOGONADOTROPIC HYPOGONADISM 5 WITH ANOSMIA; HYPOGONADOTROPHIC HYPOGONADISM 5 WITHOUT ANOSMIA; CHD7-Related GnRH Deficiency (Kallmann Syndrome 5). Identifiers: Orphanet 478, MedGen C3552553, MONDO:0012880, OMIM 612370. Disease mechanism: loss of function.

Allele frequency attached by ClinVar (database versions not stated): gnomAD exomes below 0.00001; gnomAD 0.00001 and 0.00002; TOPMed 0.00001.
gnomAD v4.1: 13 of 1,613,954 alleles (0.00081%); highest among the groups gnomAD compares: Non-Finnish European, 0.0011%; no homozygotes.

Submissions (3):

Labcorp Genetics (formerly Invitae), Labcorp
Classification: Likely benign for CHARGE syndrome. Last evaluated: 2025-10-16. Review status: criteria provided, single submitter. Criteria: Invitae Variant Classification Sherloc (09022015). Collection method: clinical testing. Allele origin: germline.

Fulgent Genetics
Classification: Uncertain significance for CHD7-related CHARGE syndrome; Hypogonadotropic hypogonadism 5 with or without anosmia. Last evaluated: 2022-02-11. Review status: criteria provided, single submitter. Criteria: ACMG Guidelines, 2015. Collection method: clinical testing. Allele origin: unknown.

GeneDx
Classification: Uncertain significance. Last evaluated: 2022-01-11. Review status: criteria provided, single submitter. Criteria: GeneDx Variant Classification Process June 2021. Collection method: clinical testing. Allele origin: germline. Affected: yes.
Comment: Not observed at significant frequency in large population cohorts (gnomAD); In silico analysis supports that this missense variant does not alter protein structure/function; Has not been previously published as pathogenic or benign to our knowledge

NM_017780.4(CHD7):c.8588C>A (p.Ala2863Asp)

Gene: CHD7 (chromodomain helicase DNA binding protein 7; plus strand). Cytogenetic location: 8q12.2.
Variant type: single nucleotide variant.
Coding change: c.8588C>A on transcript NM_017780.4 (MANE Select); coding-DNA position 8588, C replaced by A.
Protein change: p.Ala2863Asp; replaces alanine 2863 with aspartic acid.
Molecular consequence: missense variant.
Genome position (GRCh38, 1-based): chr8:60,865,527, C>A. VCF-style: chr8-60865527-C-A. GRCh37 (hg19) VCF-style: chr8-61778086-C-A.
Other names: c.2441C>A, p.Ala814Asp (NM_001316690.1); short protein forms A2863D, A814D.
Identifiers: ClinVar variation 1695655 (VCV001695655.4), dbSNP rs970020036, ClinGen allele CA177329707.